The following is an entry in ClinVar:

ClinVar aggregate classification (germline): Likely pathogenic (1 of 4 stars; one submission).

Submission:

Labcorp Genetics (formerly Invitae), Labcorp
Classification: Likely pathogenic. Last evaluated: 2023-11-17. Review status: criteria provided, single submitter. Criteria: Invitae Variant Classification Sherloc (09022015). Collection method: clinical testing. Allele origin: unknown.
Comment: This variant results in a copy number gain of the genomic region encompassing exon(s) 4-5 of the GPR143 gene. While the exact position of this variant cannot be determined from the data, sub-genic copy number gains are generally in tandem (PMID: 25640679). This variant is predicted to be out-of-frame, and may result in an absent or disrupted protein product. Loss-of-function variants in GPR143 are known to be pathogenic (PMID: 15965158, 18978956, 19390656, 21541274, 26160353, 28211458). This variant has not been reported in the literature in individuals affected with GPR143-related conditions. In summary, the currently available evidence indicates that the variant is pathogenic, but additional data are needed to prove that conclusively. Therefore, this variant has been classified as Likely Pathogenic.

Literature cited by the submitters: PubMed 25640679; PubMed 15965158; PubMed 18978956; PubMed 19390656; PubMed 21541274; PubMed 26160353; PubMed 28211458.

NC_000023.10:g.(?_9714064)_(9716726_?)dup

Gene: GPR143 (G protein-coupled receptor 143; minus strand). Cytogenetic location: Xp22.2.
Variant type: Duplication.
Identifiers: ClinVar variation 3245745 (VCV003245745.1).